The following is an entry in ClinVar:

ClinVar aggregate classification (germline): Likely benign (1 of 4 stars; one submission).

Conditions:
Neonatal diabetes mellitus with congenital hypothyroidism. Also called: NDH SYNDROME. Identifiers: Orphanet 79118, MedGen C1857775, MONDO:0012436, OMIM 610199.

Allele frequency attached by ClinVar (database versions not stated): gnomAD exomes 0.00020; gnomAD 0.00082 and 0.00085; TOPMed 0.00088; 1000 Genomes Project 0.00180; 1000 Genomes Project 30x 0.00187.
gnomAD v4.1: 125 of 157,470 alleles (0.079%); highest among the groups gnomAD compares: African/African-American, 0.3%; no homozygotes.

Submission:

Illumina Laboratory Services, Illumina
Classification: Likely benign for Neonatal diabetes mellitus with congenital hypothyroidism. Last evaluated: 2018-01-13. Review status: criteria provided, single submitter. Criteria: ICSL Variant Classification Criteria 13 December 2019. Collection method: clinical testing. Allele origin: germline.
Comment: This variant was observed in the ICSL laboratory as part of a predisposition screen in an ostensibly healthy population. It had not been previously curated by ICSL or reported in the Human Gene Mutation Database (HGMD: prior to June 1st, 2018), and was therefore a candidate for classification through an automated scoring system. Utilizing variant allele frequency, disease prevalence and penetrance estimates, and inheritance mode, an automated score was calculated to assess if this variant is too frequent to cause the disease. Based on the score and internal cut-off values, a variant classified as likely benign is not then subjected to further curation. The score for this variant resulted in a classification of likely benign for this disease.

NM_001042413.2(GLIS3):c.*557A>G

Gene: GLIS3 (GLIS family zinc finger 3; minus strand). Cytogenetic location: 9p24.2.
Variant type: single nucleotide variant.
Coding change: c.*557A>G on transcript NM_001042413.2 (MANE Select); 557 bases downstream of the stop codon, A replaced by G.
Molecular consequence: 3 prime UTR variant.
Genome position (GRCh38, 1-based): chr9:3,827,715, T>C on the plus strand (A>G on the coding strand, the complement: GLIS3 is on the minus strand). VCF-style: chr9-3827715-T-C. GRCh37 (hg19) VCF-style: chr9-3827715-T-C.
Other names: c.*557A>G (NM_152629.4).
Identifiers: ClinVar variation 914792 (VCV000914792.4), dbSNP rs75480480, ClinGen allele CA188257258.